The following is an entry in ClinVar:

NM_001003694.2(BRPF1):c.3298C>T (p.Arg1100Ter)

Gene: BRPF1 (bromodomain and PHD finger containing 1; plus strand). Cytogenetic location: 3p25.3.
Variant type: single nucleotide variant.
Coding change: c.3298C>T on transcript NM_001003694.2 (MANE Select); coding-DNA position 3298, C replaced by T.
Protein change: p.Arg1100Ter; replaces arginine 1100 with a stop codon.
Molecular consequence: nonsense. On other transcripts: non-coding transcript variant (1).
Genome position (GRCh38, 1-based): chr3:9,745,904, C>T. VCF-style: chr3-9745904-C-T. GRCh37 (hg19) VCF-style: chr3-9787588-C-T.
Other names: c.2995C>T, p.Arg999Ter (NM_001319049.2); c.3277C>T, p.Arg1093Ter (NM_001319050.2); c.3280C>T, p.Arg1094Ter (NM_004634.3); short protein forms R1100*, R1093*, R1094*, R999*.
Identifiers: ClinVar variation 375488 (VCV000375488.5), dbSNP rs1057519513, ClinGen allele CA16044291.

ClinVar aggregate classification (germline): Pathogenic/Likely pathogenic. Review status: criteria provided, multiple submitters, no conflicts (2 of 4 stars). 4 submissions from 4 submitters: Pathogenic (2); Likely pathogenic (1). 1 of the submissions does not count toward it. Last evaluated 2025-09-02.

Conditions:
Intellectual developmental disorder with dysmorphic facies and ptosis (IDDDFP). Identifiers: Orphanet 698090, MedGen C4310617, MONDO:0015022, OMIM 617333.

Allele frequency attached by ClinVar (database versions not stated): gnomAD exomes below 0.00001; TOPMed below 0.00001.
gnomAD v4.1: 2 of 1,613,852 alleles (0.00012%); highest among the groups gnomAD compares: Non-Finnish European, 0.000085%; no homozygotes.

Submissions (4):

Centre of Medical Genetics, University Hospital Muenster
Classification: Likely pathogenic. Last evaluated: 2025-09-02. Review status: criteria provided, single submitter. Criteria: ACMG Guidelines, 2015. Collection method: clinical testing. Allele origin: unknown. Affected: yes. Observed: 1 variant allele, 1 heterozygote.
Comment: ACMG categories: PVS1,PM2_sup

Laboratory of Genetics, Children's Clinical University Hospital Latvia
Classification: Pathogenic. Last evaluated: 2025-02-16. Review status: criteria provided, single submitter. Criteria: ACMG Guidelines, 2015. Collection method: clinical testing. Allele origin: germline. Affected: yes.

GeneDx
Classification: Pathogenic. Last evaluated: 2024-01-10. Review status: criteria provided, single submitter. Criteria: GeneDx Variant Classification Process June 2021. Collection method: clinical testing. Allele origin: germline. Affected: yes.
Comment: Nonsense variant predicted to result in protein truncation or nonsense mediated decay in a gene for which loss of function is a known mechanism of disease; Not observed at significant frequency in large population cohorts (gnomAD); This variant is associated with the following publications: (PMID: 27939640, 27535533)

OMIM
Classification: Pathogenic for INTELLECTUAL DEVELOPMENTAL DISORDER WITH DYSMORPHIC FACIES AND PTOSIS. Last evaluated: 2017-02-09. Review status: no assertion criteria provided. Collection method: literature only. Allele origin: germline. Not counted in ClinVar's aggregate classification.

Literature cited by the submitters: PubMed 27939640 (cited by OMIM).